The following is an entry in ClinVar:

NM_001286577.2(C2CD3):c.5361+3A>T

Gene: C2CD3 (C2 domain containing 3 centriole elongation regulator; minus strand). Cytogenetic location: 11q13.4.
Variant type: single nucleotide variant.
Coding change: c.5361+3A>T on transcript NM_001286577.2 (MANE Select); 3 bases into the intron after coding-DNA position 5361, A replaced by T.
Molecular consequence: intron variant.
Genome position (GRCh38, 1-based): chr11:74,049,334, T>A on the plus strand (A>T on the coding strand, the complement: C2CD3 is on the minus strand). VCF-style: chr11-74049334-T-A. GRCh37 (hg19) VCF-style: chr11-73760379-T-A.
Other names: c.5361+3A>T (NM_015531.6).
Identifiers: ClinVar variation 3624692 (VCV003624692.2).

ClinVar aggregate classification (germline): Uncertain significance (1 of 4 stars; one submission).

gnomAD v4.1: 89 of 1,612,434 alleles (0.0055%); highest among the groups gnomAD compares: Non-Finnish European, 0.0024%; no homozygotes.

Submission:

Labcorp Genetics (formerly Invitae), Labcorp
Classification: Uncertain significance. Last evaluated: 2025-01-14. Review status: criteria provided, single submitter. Criteria: Invitae Variant Classification Sherloc (09022015). Collection method: clinical testing. Allele origin: germline.
Comment: This sequence change falls in intron 27 of the C2CD3 gene. It does not directly change the encoded amino acid sequence of the C2CD3 protein. It affects a nucleotide within the consensus splice site. This variant is present in population databases (rs767262493, gnomAD 0.06%). This variant has not been reported in the literature in individuals affected with C2CD3-related conditions. Variants that disrupt the consensus splice site are a relatively common cause of aberrant splicing (PMID: 17576681, 9536098). Algorithms developed to predict the effect of sequence changes on RNA splicing suggest that this variant is not likely to affect RNA splicing. In summary, the available evidence is currently insufficient to determine the role of this variant in disease. Therefore, it has been classified as a Variant of Uncertain Significance.

Literature cited by the submitters: PubMed 17576681; PubMed 9536098.